The following is an entry in ClinVar:

ClinVar aggregate classification (germline): Uncertain significance. Review status: criteria provided, multiple submitters, no conflicts (2 of 4 stars). 5 submissions from 5 submitters: Uncertain significance (5). Last evaluated 2024-11-25.

Conditions:
Weill-Marchesani syndrome 1 (WMS1). Also called: Weill-Marchesani Syndrome, Autosomal Recessive; Weill-Marchesani syndrome 1, recessive; ADAMTS10-Related Weill-Marchesani Syndrome. Identifiers: Orphanet 3449, MedGen C4552002, MONDO:0010194, OMIM 277600.
Inborn genetic diseases. Identifiers: MedGen C0950123, MeSH D030342.

Allele frequency attached by ClinVar (database versions not stated): gnomAD 0.00003 and 0.00004; gnomAD exomes 0.00003 and 0.00008; TOPMed 0.00006; ExAC 0.00007; 1000 Genomes Project 30x 0.00031; 1000 Genomes Project 0.00040.
gnomAD v4.1: 51 of 1,613,488 alleles (0.0032%); highest among the groups gnomAD compares: East Asian, 0.08%; no homozygotes.

Submissions (5):

Blueprint Genetics
Classification: Uncertain significance. Last evaluated: 2024-11-25. Review status: criteria provided, single submitter. Criteria: ACMG Guidelines, 2015. Collection method: clinical testing. Allele origin: germline.

Fulgent Genetics
Classification: Uncertain significance for Weill-Marchesani syndrome 1. Last evaluated: 2024-04-12. Review status: criteria provided, single submitter. Criteria: ACMG Guidelines, 2015. Collection method: clinical testing. Allele origin: germline.

Ambry Genetics
Classification: Uncertain significance for Inborn genetic diseases. Last evaluated: 2024-03-30. Review status: criteria provided, single submitter. Criteria: Ambry Variant Classification Scheme 2023. Collection method: clinical testing. Allele origin: germline.

Labcorp Genetics (formerly Invitae), Labcorp
Classification: Uncertain significance. Last evaluated: 2022-10-10. Review status: criteria provided, single submitter. Criteria: Invitae Variant Classification Sherloc (09022015). Collection method: clinical testing. Allele origin: germline.
Comment: This sequence change replaces serine, which is neutral and polar, with glycine, which is neutral and non-polar, at codon 1088 of the ADAMTS10 protein (p.Ser1088Gly). This variant is present in population databases (rs200639529, gnomAD 0.1%). This variant has not been reported in the literature in individuals affected with ADAMTS10-related conditions. ClinVar contains an entry for this variant (Variation ID: 595050). Algorithms developed to predict the effect of missense changes on protein structure and function are either unavailable or do not agree on the potential impact of this missense change (SIFT: "Deleterious"; PolyPhen-2: "Benign"; Align-GVGD: "Class C0"). In summary, the available evidence is currently insufficient to determine the role of this variant in disease. Therefore, it has been classified as a Variant of Uncertain Significance.

Eurofins Ntd Llc (ga)
Classification: Uncertain significance. Last evaluated: 2017-12-07. Review status: criteria provided, single submitter. Criteria: EGL Classification Definitions 2015. Collection method: clinical testing. Allele origin: germline. Observed: 1 variant allele, 1 heterozygote.

NM_030957.4(ADAMTS10):c.3262A>G (p.Ser1088Gly)

Gene: ADAMTS10 (ADAM metallopeptidase with thrombospondin type 1 motif 10; minus strand). Cytogenetic location: 19p13.2.
Variant type: single nucleotide variant.
Coding change: c.3262A>G on transcript NM_030957.4 (MANE Select); coding-DNA position 3262, A replaced by G.
Protein change: p.Ser1088Gly; replaces serine 1088 with glycine.
Molecular consequence: missense variant.
Genome position (GRCh38, 1-based): chr19:8,580,943, T>C on the plus strand (A>G on the coding strand, the complement: ADAMTS10 is on the minus strand). VCF-style: chr19-8580943-T-C. GRCh37 (hg19) VCF-style: chr19-8645827-T-C.
Other names: c.1723A>G, p.Ser575Gly (NM_001282352.2); c.3262A>G (NM_030957.2); short protein forms S1088G, S575G.
Identifiers: ClinVar variation 595050 (VCV000595050.10), dbSNP rs200639529, ClinGen allele CA9159951.
Genomic context (GRCh38, chr19:8,580,943, plus strand): 5'-CGCGCGCCCCCTAGTGGCCATGGCAGGTTTTGCAGCACATCTGGCGGAAGTAGGCTCGGC[T>C]GCAGAACTGAAATTTGAGCACCAGGGGGCAGTAGGCGACCTTGTTCACATCCTTGCACTC-3'
Protein context (NP_112219.3, residues 1078-1098): CPLVLKFQFC[Ser1088Gly]RAYFRQMCCK